The following is an entry in ClinVar:

ClinVar aggregate classification (germline): Likely benign. Review status: criteria provided, multiple submitters, no conflicts (2 of 4 stars). 4 submissions from 4 submitters: Likely benign (3). 1 of the submissions does not count toward it. Last evaluated 2026-06-01.

Conditions:
TELO2-related disorder. Also called: TELO2-related condition.

Allele frequency attached by ClinVar (database versions not stated): gnomAD exomes 0.00004; ExAC 0.00014; TOPMed 0.00041; gnomAD 0.00049; 1000 Genomes Project 0.00060; 1000 Genomes Project 30x 0.00062; ESP Exome Variant Server 0.00062.

Submissions (4):

CeGaT Center for Human Genetics Tuebingen
Classification: Likely benign. Last evaluated: 2026-06-01. Review status: criteria provided, single submitter. Criteria: CeGaT Center For Human Genetics Tuebingen Variant Classification Criteria Version 2. Collection method: clinical testing. Allele origin: germline. Affected: yes. Observed: 1 variant allele.
Comment: TELO2: BP4, BP7

Labcorp Genetics (formerly Invitae), Labcorp
Classification: Likely benign. Last evaluated: 2026-01-05. Review status: criteria provided, single submitter. Criteria: Invitae Variant Classification Sherloc (09022015). Collection method: clinical testing. Allele origin: germline.

Blueprint Genetics
Classification: Likely benign. Last evaluated: 2022-09-06. Review status: criteria provided, single submitter. Criteria: ACMG Guidelines, 2015. Collection method: clinical testing. Allele origin: germline.

PreventionGenetics, part of Exact Sciences
Classification: Likely benign for TELO2-related condition. Last evaluated: 2022-05-17. Review status: no assertion criteria provided. Collection method: clinical testing. Allele origin: germline. Not counted in ClinVar's aggregate classification.
Comment: This variant is classified as likely benign based on ACMG/AMP sequence variant interpretation guidelines (Richards et al. 2015 PMID: 25741868, with internal and published modifications).

NM_016111.4(TELO2):c.1179C>T (p.Cys393=)

Gene: TELO2 (telomere maintenance 2; plus strand). Cytogenetic location: 16p13.3.
Variant type: single nucleotide variant.
Coding change: c.1179C>T on transcript NM_016111.4 (MANE Select); coding-DNA position 1179, C replaced by T.
Protein change: p.Cys393=; no amino-acid change (cysteine 393 retained).
Molecular consequence: synonymous variant.
Genome position (GRCh38, 1-based): chr16:1,500,597, C>T. VCF-style: chr16-1500597-C-T. GRCh37 (hg19) VCF-style: chr16-1550598-C-T.
Other names: c.1179C>T, p.Cys393= (NM_001351846.2); c.1179C>T (NM_016111.3).
Identifiers: ClinVar variation 2043832 (VCV002043832.9), dbSNP rs141963934, ClinGen allele CA7811987.